The following is an entry in ClinVar:

NM_002474.3(MYH11):c.5083-17_5083-10del

Genes: NDE1 (nudE neurodevelopment protein 1; plus strand), MYH11 (myosin heavy chain 11; minus strand). Cytogenetic location: 16p13.11.
Variant type: Deletion.
Coding change: c.5083-17_5083-10del on transcript NM_002474.3 (MANE Select); 17 bases into the intron before coding-DNA position 5083 through 10 bases into the intron before coding-DNA position 5083, 8 bases deleted (TCCTCCCT; older notation c.5083-17_5083-10delTCCTCCCT).
Molecular consequence: intron variant.
Genome position (GRCh38, 1-based): chr16:15,719,318-15,719,325, AGGGAGGA deleted on the plus strand (TCCTCCCT on the coding strand, the reverse complement: MYH11 is on the minus strand); deleting any 8 consecutive bases within chr16:15,719,318-15,719,328 gives the same sequence; the c. name uses the placement nearest the transcript's 3' end. VCF-style (leftmost placement, unchanged base first): chr16-15719317-GAGGGAGGA-G. GRCh37 (hg19) VCF-style: chr16-15813174-GAGGGAGGA-G.
Other names: c.948-4870_948-4863del (NM_001143979.2, NM_017668.3); c.5083-17_5083-10del (NM_022844.3); c.5104-17_5104-10del (NM_001040114.2, NM_001040113.2).
Identifiers: ClinVar variation 3252263 (VCV003252263.2), dbSNP rs2040341419.

ClinVar aggregate classification (germline): Uncertain significance. Review status: criteria provided, multiple submitters, no conflicts (2 of 4 stars). 2 submissions from 2 submitters: Uncertain significance (2). Last evaluated 2024-02-25.

Conditions:
Familial thoracic aortic aneurysm and aortic dissection (TAAD). Also called: Thoracic aortic aneurysms and dissections. Identifiers: Orphanet 91387, MedGen C4707243, MONDO:0019625.

Submissions (2):

Color Diagnostics, LLC DBA Color Health
Classification: Uncertain significance for Familial thoracic aortic aneurysm and aortic dissection. Last evaluated: 2024-02-25. Review status: criteria provided, single submitter. Criteria: ACMG Guidelines, 2015. Collection method: clinical testing. Allele origin: germline.
Comment: This variant deletes 8 nucleotides in intron 36 of the MYH11 gene. Splice site prediction tools are inconclusive regarding the impact of this variant on RNA splicing. To our knowledge, RNA studies have not been reported for this variant. This variant has not been reported in individuals affected with MYH11-related disorders in the literature. This variant has not been identified in the general population by the Genome Aggregation Database (gnomAD). The available evidence is insufficient to determine the role of this variant in disease conclusively. Therefore, this variant is classified as a Variant of Uncertain Significance.

GeneDx
Classification: Uncertain significance. Last evaluated: 2023-12-06. Review status: criteria provided, single submitter. Criteria: GeneDx Variant Classification Process June 2021. Collection method: clinical testing. Allele origin: germline. Affected: yes.
Comment: Not observed at significant frequency in large population cohorts (gnomAD); In silico analysis supports a deleterious effect on splicing; Has not been previously published as pathogenic or benign to our knowledge